The following is an entry in ClinVar:

NM_198253.3(TERT):c.2555A>G (p.Lys852Arg)

Gene: TERT (telomerase reverse transcriptase; minus strand). Cytogenetic location: 5p15.33.
Variant type: single nucleotide variant.
Coding change: c.2555A>G on transcript NM_198253.3 (MANE Select); coding-DNA position 2555, A replaced by G.
Protein change: p.Lys852Arg; replaces lysine 852 with arginine.
Molecular consequence: missense variant. On other transcripts: non-coding transcript variant (2).
Genome position (GRCh38, 1-based): chr5:1,268,547, T>C on the plus strand (A>G on the coding strand, the complement: TERT is on the minus strand). VCF-style: chr5-1268547-T-C. GRCh37 (hg19) VCF-style: chr5-1268662-T-C.
Other names: c.2555A>G, p.Lys852Arg (NM_001193376.3, NM_003219.1); short protein forms K852R.
Identifiers: ClinVar variation 2928401 (VCV002928401.3), dbSNP rs749279645, ClinGen allele CA3184467.

ClinVar aggregate classification (germline): Uncertain significance (1 of 4 stars; one submission).

Conditions:
Dyskeratosis congenita, autosomal dominant 2. Identifiers: MedGen C3151443, MONDO:0013521, OMIM 613989.
Idiopathic Pulmonary Fibrosis. Also called: Idiopathic fibrosing alveolitis, chronic form; idiopathic fibrosing alveolitis. Identifiers: Orphanet 2032, MedGen C1800706, MeSH D054990, MONDO:0800504.

Allele frequency attached by ClinVar (database versions not stated): ExAC 0.00001; gnomAD exomes 0.00001.
gnomAD v4.1: 4 of 1,613,496 alleles (0.00025%); highest among the groups gnomAD compares: Admixed American, 0.0033%; no homozygotes.

Submission:

Labcorp Genetics (formerly Invitae), Labcorp
Classification: Uncertain significance for Dyskeratosis congenita, autosomal dominant 2; Idiopathic Pulmonary Fibrosis. Last evaluated: 2023-08-28. Review status: criteria provided, single submitter. Criteria: Invitae Variant Classification Sherloc (09022015). Collection method: clinical testing. Allele origin: germline.
Comment: In summary, the available evidence is currently insufficient to determine the role of this variant in disease. Therefore, it has been classified as a Variant of Uncertain Significance. Advanced modeling of protein sequence and biophysical properties (such as structural, functional, and spatial information, amino acid conservation, physicochemical variation, residue mobility, and thermodynamic stability) performed at Invitae indicates that this missense variant is not expected to disrupt TERT protein function. This variant has not been reported in the literature in individuals affected with TERT-related conditions. This variant is present in population databases (rs749279645, gnomAD 0.003%). This sequence change replaces lysine, which is basic and polar, with arginine, which is basic and polar, at codon 852 of the TERT protein (p.Lys852Arg).